The following is an entry in ClinVar:

ClinVar aggregate classification (germline): Uncertain significance (1 of 4 stars; one submission).

Conditions:
BAP1-related tumor predisposition syndrome (TPDS1). Also called: TUMOR PREDISPOSITION SYNDROME 1; Tumor susceptibility linked to germline BAP1 mutations; BAP1 tumor predisposition syndrome; COMMON Syndrome. Identifiers: Orphanet 289539, MedGen C3280492, MONDO:0013692, OMIM 614327.

Submission:

Labcorp Genetics (formerly Invitae), Labcorp
Classification: Uncertain significance for BAP1-related tumor predisposition syndrome. Last evaluated: 2021-02-01. Review status: criteria provided, single submitter. Criteria: Invitae Variant Classification Sherloc (09022015). Collection method: clinical testing. Allele origin: germline.
Comment: This variant has not been reported in the literature in individuals with BAP1-related conditions. This variant is not present in population databases (ExAC no frequency). This sequence change replaces histidine with glutamine at codon 151 of the BAP1 protein (p.His151Gln). The histidine residue is highly conserved and there is a small physicochemical difference between histidine and glutamine. In summary, the available evidence is currently insufficient to determine the role of this variant in disease. Therefore, it has been classified as a Variant of Uncertain Significance. Algorithms developed to predict the effect of missense changes on protein structure and function are either unavailable or do not agree on the potential impact of this missense change (SIFT: "Tolerated"; PolyPhen-2: "Possibly Damaging"; Align-GVGD: "Class C0").

NM_004656.4(BAP1):c.453C>G (p.His151Gln)

Gene: BAP1 (BRCA1 associated deubiquitinase 1; minus strand). Cytogenetic location: 3p21.1.
Variant type: single nucleotide variant.
Coding change: c.453C>G on transcript NM_004656.4 (MANE Select); coding-DNA position 453, C replaced by G.
Protein change: p.His151Gln; replaces histidine 151 with glutamine.
Molecular consequence: missense variant.
Genome position (GRCh38, 1-based): chr3:52,407,301, G>C on the plus strand (C>G on the coding strand, the complement: BAP1 is on the minus strand). VCF-style: chr3-52407301-G-C. GRCh37 (hg19) VCF-style: chr3-52441317-G-C.
Other names: short protein forms H151Q.
Identifiers: ClinVar variation 1368252 (VCV001368252.8), dbSNP rs2153227866, ClinGen allele CA353110365.